The following is an entry in ClinVar:

ClinVar aggregate classification (germline): Likely pathogenic. Review status: criteria provided, multiple submitters, no conflicts (2 of 4 stars). 5 submissions from 5 submitters: Likely pathogenic (5). Last evaluated 2025-07-09.

Conditions:
Xeroderma pigmentosum group B. Also called: ERCC3-Related Xeroderma Pigmentosum; XPB/CS; XERODERMA PIGMENTOSUM B/COCKAYNE SYNDROME; XP, GROUP B. Identifiers: MedGen C0268136, MONDO:0012531, OMIM 610651.
Trichothiodystrophy 2, photosensitive (TTD2). Identifiers: Orphanet 33364, MedGen C4225344, MONDO:0014615, OMIM 616390.
ERCC3-related disorder. Also called: ERCC3-related condition.
Xeroderma pigmentosum (XP). Identifiers: Orphanet 910, MedGen C0043346, MONDO:0019600.

Allele frequency attached by ClinVar (database versions not stated): gnomAD 0.00001; TOPMed 0.00001; gnomAD exomes 0.00002; ExAC 0.00004.

Submissions (6):

Labcorp Genetics (formerly Invitae), Labcorp
Classification: Likely pathogenic. Last evaluated: 2025-07-09. Review status: criteria provided, single submitter. Criteria: Invitae Variant Classification Sherloc (09022015). Collection method: clinical testing. Allele origin: germline.
Comment: This sequence change affects a donor splice site in intron 5 of the ERCC3 gene. It is expected to disrupt RNA splicing. Variants that disrupt the donor or acceptor splice site typically lead to a loss of protein function (PMID: 16199547), and loss-of-function variants in ERCC3 are known to be pathogenic (PMID: 16947863). This variant is present in population databases (rs56116802, gnomAD 0.006%). Disruption of this splice site has been observed in individual(s) with thyroid carcinoma, personal and/or family history of breast and ovarian cancer (PMID: 29625052, 30262796, 36744932). ClinVar contains an entry for this variant (Variation ID: 1469975). Algorithms developed to predict the effect of sequence changes on RNA splicing suggest that this variant may disrupt the consensus splice site. In summary, the currently available evidence indicates that the variant is pathogenic, but additional data are needed to prove that conclusively. Therefore, this variant has been classified as Likely Pathogenic.

Fulgent Genetics
Classification: Likely pathogenic for Xeroderma pigmentosum group B; Trichothiodystrophy 2, photosensitive. Last evaluated: 2024-05-09. Review status: criteria provided, single submitter. Criteria: ACMG Guidelines, 2015. Collection method: clinical testing. Allele origin: germline.

Women's Health and Genetics/Laboratory Corporation of America, LabCorp
Classification: Likely pathogenic for Xeroderma pigmentosum. Last evaluated: 2022-05-25. Review status: criteria provided, single submitter. Criteria: LabCorp Variant Classification Summary - May 2015. Collection method: clinical testing. Allele origin: germline.
Comment: Variant summary: ERCC3 c.657+1G>A is located in a canonical splice-site and is predicted to affect mRNA splicing resulting in a significantly altered protein due to either exon skipping, shortening, or inclusion of intronic material. Several computational tools predict a significant impact on normal splicing: Two predict the variant abolishes a 5' splicing donor site whereas two predict the variant no significant impact on splicing. However, these predictions have yet to be confirmed by functional studies. The variant allele was found at a frequency of 2e-05 in 251480 control chromosomes. To our knowledge c.657+1G>A has not been reported in the literature in individuals affected with Xeroderma Pigmentosum, however it has been observed in individuals with breast cancer and thyroid cancer (example Quezada Urban_2018, Huang_2018, Palmer_2020, Fasching_2021). These reports do not provide unequivocal conclusions about association of the variant with Xeroderma Pigmentosum. To our knowledge, no experimental evidence demonstrating an impact on protein function has been reported. One clinical diagnostic laboratory has submitted clinical-significance assessments for this variant to ClinVar after 2014 without evidence for independent evaluation and classified the variant as likely pathogenic. Based on the evidence outlined above, the variant was classified as likely pathogenic.

Blueprint Genetics
Classification: Likely pathogenic for ERCC3-related disorders. Last evaluated: 2021-06-08. Review status: criteria provided, single submitter. Criteria: ACMG Guidelines, 2015. Collection method: clinical testing. Allele origin: germline. Affected: yes. Observed: 1 variant allele.

Juno Genomics, Hangzhou Juno Genomics, Inc
Classification: Likely pathogenic for Trichothiodystrophy 2, photosensitive; Xeroderma pigmentosum group B. Review status: criteria provided, single submitter. Criteria: ACMG Guidelines, 2015. Collection method: clinical testing. Allele origin: germline.
Comment: Null variant in a gene where loss of function (LOF) is a known mechanism of disease.;Absent from controls (or at extremely low frequency if recessive) in Genome Aggregation Database.

Dr. Peter K. Rogan Lab, Western University
No classification provided (evidence only). Condition: Thyroid cancer, nonmedullary, 1. Review status: no classification provided. Collection method: in vitro. Allele origin: not applicable. Functional consequence: retained intron. Not counted in ClinVar's aggregate classification.

Literature cited by the submitters: PubMed 16199547 (cited by Labcorp Genetics (formerly Invitae), Labcorp); PubMed 16947863 (cited by Labcorp Genetics (formerly Invitae), Labcorp); PubMed 29625052 (cited by Labcorp Genetics (formerly Invitae), Labcorp and Women's Health and Genetics/Laboratory Corporation of America, LabCorp); PubMed 30262796 (cited by Labcorp Genetics (formerly Invitae), Labcorp and Women's Health and Genetics/Laboratory Corporation of America, LabCorp); PubMed 36744932 (cited by Labcorp Genetics (formerly Invitae), Labcorp); PubMed 32427313 (cited by Women's Health and Genetics/Laboratory Corporation of America, LabCorp); PubMed 33780288 (cited by Women's Health and Genetics/Laboratory Corporation of America, LabCorp).

NM_000122.2(ERCC3):c.657+1G>A

Gene: ERCC3 (ERCC excision repair 3, TFIIH core complex helicase subunit; minus strand). Cytogenetic location: 2q14.3.
Variant type: single nucleotide variant.
Coding change: c.657+1G>A on transcript NM_000122.2 (MANE Select); the canonical splice donor site of the intron after coding-DNA position 657, G replaced by A.
Molecular consequence: splice donor variant.
Genome position (GRCh38, 1-based): chr2:127,289,688, C>T on the plus strand (G>A on the coding strand, the complement: ERCC3 is on the minus strand). VCF-style: chr2-127289688-C-T. GRCh37 (hg19) VCF-style: chr2-128047264-C-T.
Other names: c.465+1G>A (NM_001303416.2, NM_001303418.2).
Identifiers: ClinVar variation 1469975 (VCV001469975.12), dbSNP rs56116802, ClinGen allele CA1858486.